The following is an entry in ClinVar:

ClinVar aggregate classification (germline): Uncertain significance (1 of 4 stars; one submission).

Conditions:
Beckwith-Wiedemann syndrome (BWS). Also called: EMG SYNDROME; Exomphalos macroglossia gigantism syndrome. Identifiers: Orphanet 116, MedGen C0004903, MONDO:0007534, OMIM 130650.

Allele frequency attached by ClinVar (database versions not stated): TOPMed below 0.00001; gnomAD 0.00001.

Submission:

Labcorp Genetics (formerly Invitae), Labcorp
Classification: Uncertain significance for Beckwith-Wiedemann syndrome. Last evaluated: 2023-04-20. Review status: criteria provided, single submitter. Criteria: Invitae Variant Classification Sherloc (09022015). Collection method: clinical testing. Allele origin: germline.
Comment: In summary, the available evidence is currently insufficient to determine the role of this variant in disease. Therefore, it has been classified as a Variant of Uncertain Significance. Advanced modeling of protein sequence and biophysical properties (such as structural, functional, and spatial information, amino acid conservation, physicochemical variation, residue mobility, and thermodynamic stability) has been performed at Invitae for this missense variant, however the output from this modeling did not meet the statistical confidence thresholds required to predict the impact of this variant on CDKN1C protein function. ClinVar contains an entry for this variant (Variation ID: 579233). This variant has not been reported in the literature in individuals affected with CDKN1C-related conditions. This variant is not present in population databases (gnomAD no frequency). This sequence change replaces arginine, which is basic and polar, with cysteine, which is neutral and slightly polar, at codon 31 of the CDKN1C protein (p.Arg31Cys).

NM_001122630.2(CDKN1C):c.58C>T (p.Arg20Cys)

Gene: CDKN1C (cyclin dependent kinase inhibitor 1C; minus strand). Cytogenetic location: 11p15.4.
Variant type: single nucleotide variant.
Coding change: c.58C>T on transcript NM_001122630.2 (MANE Select); coding-DNA position 58, C replaced by T.
Protein change: p.Arg20Cys; replaces arginine 20 with cysteine.
Molecular consequence: missense variant.
Genome position (GRCh38, 1-based): chr11:2,885,399, G>A on the plus strand (C>T on the coding strand, the complement: CDKN1C is on the minus strand). VCF-style: chr11-2885399-G-A. GRCh37 (hg19) VCF-style: chr11-2906629-G-A.
Other names: c.91C>T, p.Arg31Cys (LRG_533t1, NM_000076.2, NM_001362474.2); c.58C>T, p.Arg20Cys (NM_001122631.2, NM_001362475.2); short protein forms R31C, R20C.
Identifiers: ClinVar variation 579233 (VCV000579233.8), dbSNP rs1467420956, ClinGen allele CA379147802.